The following is an entry in ClinVar:

ClinVar aggregate classification (germline): Uncertain significance (1 of 4 stars; one submission).

Submission:

GeneDx
Classification: Uncertain significance. Last evaluated: 2025-07-17. Review status: criteria provided, single submitter. Criteria: GeneDx Variant Classification Process June 2021. Collection method: clinical testing. Allele origin: germline. Affected: yes.
Comment: Not observed at significant frequency in large population cohorts (gnomAD); In silico analysis supports that this missense variant has a deleterious effect on protein structure/function; Has not been previously published as pathogenic or benign to our knowledge

NM_001394062.1(MACF1):c.16990G>T (p.Ala5664Ser)

Gene: MACF1 (microtubule actin crosslinking factor 1; plus strand). Cytogenetic location: 1p34.3.
Variant type: single nucleotide variant.
Coding change: c.16990G>T on transcript NM_001394062.1 (MANE Select); coding-DNA position 16990, G replaced by T.
Protein change: p.Ala5664Ser; replaces alanine 5664 with serine.
Molecular consequence: missense variant.
Genome position (GRCh38, 1-based): chr1:39,429,928, G>T. VCF-style: chr1-39429928-G-T. GRCh37 (hg19) VCF-style: chr1-39895600-G-T.
Other names: c.5059G>T, p.Ala1687Ser (NM_001397473.1); c.10804G>T, p.Ala3602Ser (NM_012090.5); short protein forms A1687S, A3602S, A5664S.
Identifiers: ClinVar variation 4686327 (VCV004686327.1).